The following is an entry in ClinVar:

NM_001330239.4(TJP1):c.5016T>C (p.Tyr1672=)

Gene: TJP1 (tight junction protein 1; minus strand). Cytogenetic location: 15q13.1.
Variant type: single nucleotide variant.
Coding change: c.5016T>C on transcript NM_001330239.4 (MANE Select); coding-DNA position 5016, T replaced by C.
Protein change: p.Tyr1672=; no amino-acid change (tyrosine 1672 retained).
Molecular consequence: synonymous variant.
Genome position (GRCh38, 1-based): chr15:29,705,580, A>G on the plus strand (T>C on the coding strand, the complement: TJP1 is on the minus strand). VCF-style: chr15-29705580-A-G. GRCh37 (hg19) VCF-style: chr15-29997784-A-G.
Other names: c.5295T>C, p.Tyr1765= (NM_001301025.3, NM_001355012.2); c.4788T>C, p.Tyr1596= (NM_001301026.2); c.5028T>C, p.Tyr1676= (NM_001355013.1); c.5016T>C, p.Tyr1672= (NM_001355014.2, NM_003257.5); c.4776T>C, p.Tyr1592= (NM_001355015.2, NM_175610.4).
Identifiers: ClinVar variation 3038792 (VCV003038792.2), dbSNP rs371656462, ClinGen allele CA267971616.

ClinVar aggregate classification (germline): Likely benign (0 of 4 stars; one submission).

Conditions:
TJP1-related disorder. Also called: TJP1-related condition.

Allele frequency attached by ClinVar (database versions not stated): gnomAD exomes 0.00001; gnomAD 0.00005; TOPMed 0.00006; ESP Exome Variant Server 0.00008.
gnomAD v4.1: 18 of 1,614,114 alleles (0.0011%); highest among the groups gnomAD compares: Middle Eastern, 0.016%; no homozygotes.

Submission:

PreventionGenetics, part of Exact Sciences
Classification: Likely benign for TJP1-related condition. Last evaluated: 2019-05-27. Review status: no assertion criteria provided. Collection method: clinical testing. Allele origin: germline.
Comment: This variant is classified as likely benign based on ACMG/AMP sequence variant interpretation guidelines (Richards et al. 2015 PMID: 25741868, with internal and published modifications).